The following is an entry in ClinVar:

ClinVar aggregate classification (germline): Uncertain significance (1 of 4 stars; one submission).

Conditions:
Charcot-Marie-Tooth disease type 1C. Also called: HMSN IC; CHARCOT-MARIE-TOOTH DISEASE, DEMYELINATING, TYPE 1C; CMT, SLOW NERVE CONDUCTION TYPE C; CHARCOT-MARIE-TOOTH NEUROPATHY, TYPE 1C; NEUROPATHY, HEREDITARY MOTOR AND SENSORY, TYPE IC; Charcot-Marie-Tooth disease, type IC. Identifiers: Orphanet 101083, MedGen C0270913, MONDO:0010995, OMIM 601098.

Allele frequency attached by ClinVar (database versions not stated): gnomAD exomes below 0.00001.

Submission:

Labcorp Genetics (formerly Invitae), Labcorp
Classification: Uncertain significance for Charcot-Marie-Tooth disease type 1C. Last evaluated: 2023-04-29. Review status: criteria provided, single submitter. Criteria: Invitae Variant Classification Sherloc (09022015). Collection method: clinical testing. Allele origin: germline.
Comment: This sequence change replaces alanine, which is neutral and non-polar, with threonine, which is neutral and polar, at codon 38 of the LITAF protein (p.Ala38Thr). This variant is not present in population databases (gnomAD no frequency). This variant has not been reported in the literature in individuals affected with LITAF-related conditions. An algorithm developed to predict the effect of missense changes on protein structure and function (PolyPhen-2) suggests that this variant is likely to be tolerated. In summary, the available evidence is currently insufficient to determine the role of this variant in disease. Therefore, it has been classified as a Variant of Uncertain Significance.

NM_001136472.2(LITAF):c.112G>A (p.Ala38Thr)

Gene: LITAF (lipopolysaccharide induced TNF factor; minus strand). Cytogenetic location: 16p13.13.
Variant type: single nucleotide variant.
Coding change: c.112G>A on transcript NM_001136472.2 (MANE Select); coding-DNA position 112, G replaced by A.
Protein change: p.Ala38Thr; replaces alanine 38 with threonine.
Molecular consequence: missense variant. On other transcripts: non-coding transcript variant (1).
Genome position (GRCh38, 1-based): chr16:11,556,619, C>T on the plus strand (G>A on the coding strand, the complement: LITAF is on the minus strand). VCF-style: chr16-11556619-C-T. GRCh37 (hg19) VCF-style: chr16-11650475-C-T.
Other names: c.112G>A, p.Ala38Thr (NM_001136473.1, NM_004862.4); short protein forms A38T.
Identifiers: ClinVar variation 2911356 (VCV002911356.3), dbSNP rs1567237408, ClinGen allele CA394768320.
Genomic context (GRCh38, chr16:11,556,619, plus strand): 5'-GATTCATGCCCTTCCCATCAGGCCCCGTCACAAGCCCCGTAGTTGGCCCAGGCATGGGAG[C>T]TGGAGGTGTGGGGTAATAACTGTTAACAGCCACTGTCTCTTCATAGGATGGAGGTGCGGA-3'
Protein context (NP_001129944.1, residues 28-48): AVNSYYPTPP[Ala38Thr]PMPGPTTGLV